The following is an entry in ClinVar:

NM_001852.4(COL9A2):c.26G>A (p.Arg9His)

Gene: COL9A2 (collagen type IX alpha 2 chain; minus strand). Cytogenetic location: 1p34.2.
Variant type: single nucleotide variant.
Coding change: c.26G>A on transcript NM_001852.4 (MANE Select); coding-DNA position 26, G replaced by A.
Protein change: p.Arg9His; replaces arginine 9 with histidine.
Molecular consequence: missense variant.
Genome position (GRCh38, 1-based): chr1:40,317,172, C>T on the plus strand (G>A on the coding strand, the complement: COL9A2 is on the minus strand). VCF-style: chr1-40317172-C-T. GRCh37 (hg19) VCF-style: chr1-40782844-C-T.
Other names: short protein forms R9H.
Identifiers: ClinVar variation 3667782 (VCV003667782.2).

ClinVar aggregate classification (germline): Uncertain significance (1 of 4 stars; one submission).

gnomAD v4.1: 5 of 1,588,598 alleles (0.00031%); highest among the groups gnomAD compares: Non-Finnish European, 0.00043%; no homozygotes.

Submission:

Labcorp Genetics (formerly Invitae), Labcorp
Classification: Uncertain significance. Last evaluated: 2024-11-05. Review status: criteria provided, single submitter. Criteria: Invitae Variant Classification Sherloc (09022015). Collection method: clinical testing. Allele origin: germline.
Comment: This sequence change replaces arginine, which is basic and polar, with histidine, which is basic and polar, at codon 9 of the COL9A2 protein (p.Arg9His). The frequency data for this variant in the population databases is considered unreliable, as metrics indicate poor data quality at this position in the gnomAD database. This variant has not been reported in the literature in individuals affected with COL9A2-related conditions. Invitae Evidence Modeling of protein sequence and biophysical properties (such as structural, functional, and spatial information, amino acid conservation, physicochemical variation, residue mobility, and thermodynamic stability) indicates that this missense variant is not expected to disrupt COL9A2 protein function with a negative predictive value of 95%. In summary, the available evidence is currently insufficient to determine the role of this variant in disease. Therefore, it has been classified as a Variant of Uncertain Significance.